The following is an entry in ClinVar:

NM_025009.5(CEP135):c.3157G>T (p.Glu1053Ter)

Gene: CEP135 (centrosomal protein 135; plus strand). Cytogenetic location: 4q12.
Variant type: single nucleotide variant.
Coding change: c.3157G>T on transcript NM_025009.5 (MANE Select); coding-DNA position 3157, G replaced by T.
Protein change: p.Glu1053Ter; replaces glutamic acid 1053 with a stop codon.
Molecular consequence: nonsense.
Genome position (GRCh38, 1-based): chr4:56,019,497, G>T. VCF-style: chr4-56019497-G-T. GRCh37 (hg19) VCF-style: chr4-56885663-G-T.
Other names: c.3157G>T (NM_025009.3); short protein forms E1053*.
Identifiers: ClinVar variation 421943 (VCV000421943.3), dbSNP rs781300766, ClinGen allele CA2928341.

ClinVar aggregate classification (germline): Conflicting classifications of pathogenicity. Review status: criteria provided, conflicting classifications (1 of 4 stars). 2 submissions from 2 submitters: Pathogenic (1); Uncertain significance (1). Last evaluated 2025-07-07.

Conditions:
Inborn genetic diseases. Identifiers: MedGen C0950123, MeSH D030342.

Allele frequency attached by ClinVar (database versions not stated): ExAC 0.00001.
gnomAD v4.1: 6 of 1,614,014 alleles (0.00037%); highest among the groups gnomAD compares: South Asian, 0.0066%; no homozygotes.

Submissions (2):

Ambry Genetics
Classification: Pathogenic for Inborn genetic diseases. Last evaluated: 2025-07-07. Review status: criteria provided, single submitter. Criteria: Ambry Variant Classification Scheme 2023. Collection method: clinical testing. Allele origin: germline.
Comment: The c.3157G>T (p.E1053*) alteration, located in exon 23 (coding exon 22) of the CEP135 gene, consists of a G to T substitution at nucleotide position 3157. This changes the amino acid from a glutamic acid (E) to a stop codon at amino acid position 1053. This alteration is expected to result in loss of function by premature protein truncation or nonsense-mediated mRNA decay. Based on data from gnomAD, the T allele has an overall frequency of <0.001% (1/250760) total alleles studied. The highest observed frequency was 0.003% (1/30560) of South Asian alleles. This variant has been identified in the homozygous state in an individual with features consistent with CEP135-related primary microcephaly (Rasool, 2020). Based on the available evidence, this alteration is classified as pathogenic.

GeneDx
Classification: Uncertain significance. Last evaluated: 2016-08-17. Review status: criteria provided, single submitter. Criteria: GeneDx Variant Classification (06012015). Collection method: clinical testing. Allele origin: germline. Affected: yes.
Comment: The E1053X variant in the CEP135 gene has not been reported previously as a pathogenic variant nor as a benign variant, to our knowledge. This variant is predicted to cause loss of normal protein function either through protein truncation or nonsense-mediated mRNA decay. The E1053X variant was not observed in approximately 6500 individuals of European and African American ancestry in the NHLBI Exome Sequencing Project, indicating it is not a common benign variant in these populations. We interpret E1053X as a variant of uncertain significance.

Literature cited by the submitters: PubMed 32677750 (cited by Ambry Genetics).